The following is an entry in ClinVar:

ClinVar aggregate classification (germline): Uncertain significance (1 of 4 stars; one submission).

Conditions:
ALG1-congenital disorder of glycosylation. Also called: CONGENITAL DISORDER OF GLYCOSYLATION, TYPE Ik; ALG1-CDG; CDG Ik. Identifiers: Orphanet 79327, MedGen C2931005, MONDO:0012052, OMIM 608540.

Submission:

Labcorp Genetics (formerly Invitae), Labcorp
Classification: Uncertain significance for ALG1-congenital disorder of glycosylation. Last evaluated: 2021-08-30. Review status: criteria provided, single submitter. Criteria: Invitae Variant Classification Sherloc (09022015). Collection method: clinical testing. Allele origin: germline.
Comment: This variant, c.877_879del, results in the deletion of 1 amino acid(s) of the ALG1 protein (p.Ser293del), but otherwise preserves the integrity of the reading frame. This variant is present in population databases (rs776453756, ExAC 0.002%). This variant has not been reported in the literature in individuals affected with ALG1-related conditions. Experimental studies and prediction algorithms are not available or were not evaluated, and the functional significance of this variant is currently unknown. In summary, the available evidence is currently insufficient to determine the role of this variant in disease. Therefore, it has been classified as a Variant of Uncertain Significance.

NM_019109.5(ALG1):c.877_879del (p.Ser293del)

Gene: ALG1 (ALG1 chitobiosyldiphosphodolichol beta-mannosyltransferase; plus strand). Cytogenetic location: 16p13.3.
Variant type: Deletion.
Coding change: c.877_879del on transcript NM_019109.5 (MANE Select); coding-DNA positions 877 to 879, 3 bases deleted (TCC; older notation c.877_879delTCC).
Protein change: p.Ser293del; deletes serine 293.
Molecular consequence: inframe deletion.
Genome position (GRCh38, 1-based): chr16:5,079,078-5,079,080, TCC deleted; deleting any 3 consecutive bases within chr16:5,079,077-5,079,080 gives the same sequence; the c. name uses the placement nearest the transcript's 3' end. VCF-style (leftmost placement, unchanged base first): chr16-5079076-TCTC-T. GRCh37 (hg19) VCF-style: chr16-5129077-TCTC-T.
Other names: c.544_546del, p.Ser182del (NM_001330504.2); short protein forms S293del, S182del.
Identifiers: ClinVar variation 1386837 (VCV001386837.5), dbSNP rs776453756, ClinGen allele CA7890072.
Genomic context (GRCh38, chr16:5,079,076, plus strand): 5'-GAGGGGTGTCTAGAAACAGGCCCCTGACATTCAATTCTCTTCTCATAGAGGACGAAGACT[TCTC>T]CATCCTGCTGGCAGCTTTAGAAAGTAGGTGTGTGGCTGCGGTGAGGAGCTCTGGGCTTGT-3'